The following is an entry in ClinVar:

ClinVar aggregate classification (germline): Uncertain significance (1 of 4 stars; one submission).

gnomAD v4.1: 2 of 1,614,022 alleles (0.00012%); no homozygotes.

Submission:

Labcorp Genetics (formerly Invitae), Labcorp
Classification: Uncertain significance. Last evaluated: 2023-05-20. Review status: criteria provided, single submitter. Criteria: Invitae Variant Classification Sherloc (09022015). Collection method: clinical testing. Allele origin: germline.
Comment: This sequence change replaces isoleucine, which is neutral and non-polar, with leucine, which is neutral and non-polar, at codon 940 of the ADGRA3 protein (p.Ile940Leu). This variant is not present in population databases (gnomAD no frequency). This variant has not been reported in the literature in individuals affected with ADGRA3-related conditions. An algorithm developed to predict the effect of missense changes on protein structure and function (PolyPhen-2) suggests that this variant is likely to be tolerated. In summary, the available evidence is currently insufficient to determine the role of this variant in disease. Therefore, it has been classified as a Variant of Uncertain Significance.

NM_145290.4(ADGRA3):c.2818A>C (p.Ile940Leu)

Gene: ADGRA3 (adhesion G protein-coupled receptor A3; minus strand). Cytogenetic location: 4p15.2.
Variant type: single nucleotide variant.
Coding change: c.2818A>C on transcript NM_145290.4 (MANE Select); coding-DNA position 2818, A replaced by C.
Protein change: p.Ile940Leu; replaces isoleucine 940 with leucine.
Molecular consequence: missense variant.
Genome position (GRCh38, 1-based): chr4:22,388,853, T>G on the plus strand (A>C on the coding strand, the complement: ADGRA3 is on the minus strand). VCF-style: chr4-22388853-T-G. GRCh37 (hg19) VCF-style: chr4-22390476-T-G.
Other names: short protein forms I940L.
Identifiers: ClinVar variation 2866239 (VCV002866239.3), dbSNP rs1313825028, ClinGen allele CA356474787.